The following is an entry in ClinVar:

NM_033380.3(COL4A5):c.4315+1G>A

Gene: COL4A5 (collagen type IV alpha 5 chain; plus strand). Cytogenetic location: Xq22.3.
Variant type: single nucleotide variant.
Coding change: c.4315+1G>A on transcript NM_033380.3 (MANE Select); the canonical splice donor site of the intron after coding-DNA position 4315, G replaced by A.
Molecular consequence: splice donor variant.
Genome position (GRCh38, 1-based): chrX:108,686,130, G>A. VCF-style: chrX-108686130-G-A. GRCh37 (hg19) VCF-style: chrX-107929360-G-A.
Other names: c.4297+1G>A (NM_000495.5).
Identifiers: ClinVar variation 24725 (VCV000024725.18), dbSNP rs587776403, ClinGen allele CA259021.

ClinVar aggregate classification (germline): Pathogenic. Review status: criteria provided, multiple submitters, no conflicts (2 of 4 stars). 6 submissions from 6 submitters: Pathogenic (6). Last evaluated 2025-09-17.

Conditions:
X-linked Alport syndrome (ATS1). Also called: COL4A5-Related Nephropathy; NEPHROPATHY AND DEAFNESS, X-LINKED. Identifiers: Orphanet 63, Orphanet 88917, MedGen C4746986, MONDO:0010520, OMIM 301050.

Allele frequency attached by ClinVar (database versions not stated): gnomAD exomes below 0.00001 and 0.00001; ExAC 0.00001; gnomAD 0.00001.
gnomAD v4.1: 2 of 1,196,899 alleles (0.00017%); highest among the groups gnomAD compares: African/African-American, 0.0035%; no homozygotes.

Submissions (6):

GeneDx
Classification: Pathogenic. Last evaluated: 2025-09-17. Review status: criteria provided, single submitter. Criteria: GeneDx Variant Classification Process June 2021. Collection method: clinical testing. Allele origin: germline. Affected: yes.
Comment: Published functional studies demonstrate that the variant results in partial skipping of exon 46 (PMID: 15780079); Canonical splice site variant predicted to result in an in-frame loss of the adjacent exon in a gene for which loss of function is a known mechanism of disease; This variant is associated with the following publications: (PMID: 35372954, 25525159, 35580552, 15780079)

Labcorp Genetics (formerly Invitae), Labcorp
Classification: Pathogenic. Last evaluated: 2025-06-12. Review status: criteria provided, single submitter. Criteria: Invitae Variant Classification Sherloc (09022015). Collection method: clinical testing. Allele origin: germline.
Comment: This sequence change affects a donor splice site in intron 46 of the COL4A5 gene. RNA analysis indicates that disruption of this splice site induces altered splicing and likely results in the loss of 6 amino acid residue(s), but is expected to preserve the integrity of the reading-frame. This variant is present in population databases (rs587776403, gnomAD 0.01%). Disruption of this splice site has been observed in individuals with Alport syndrome (PMID: 15780079, 35580552). This variant is also known as g.4499+1G>A, c.4315+1G>A. ClinVar contains an entry for this variant (Variation ID: 24725). Studies have shown that disruption of this splice site results in the activation of a cryptic splice site in exon 46 (PMID: 15780079). This variant disrupts the triple helix domain of COL4A5. Glycine residues within the Gly-Xaa-Yaa repeats of the triple helix domain are required for the structure and stability of fibrillar collagens (PMID: 7695699, 8218237, 19344236). In COL4A5, missense variants at these glycine residues are significantly enriched in individuals with disease (PMID: 23720012, 27627812) compared to the general population (ExAC). For these reasons, this variant has been classified as Pathogenic.

Revvity Omics, Revvity
Classification: Pathogenic for X-linked Alport syndrome. Last evaluated: 2025-03-07. Review status: criteria provided, single submitter. Criteria: ACMG Guidelines, 2015. Collection method: clinical testing. Allele origin: germline.

Genetic Services Laboratory, University of Chicago
Classification: Pathogenic. Last evaluated: 2023-12-21. Review status: criteria provided, single submitter. Criteria: ACMG Guidelines, 2015. Collection method: clinical testing. Allele origin: germline. Affected: yes.
Comment: DNA sequence analysis of the COL4A5 gene demonstrated a sequence change in the canonical splice donor site/splice acceptor site of intron 46, c.4297+1G>A. This sequence change has been previously described in an individual with COL4A5-related Alport syndrome (PMID: 15780079) and in an individual with sensorineural hearing loss (PMID: 35580552). This sequence change has been described in the gnomAD database in two individuals with XX chromosome complement, which corresponds to an overall population frequency of 0.001% (dbSNP rs587776403). This pathogenic sequence change is predicted to affect normal splicing of the COL4A5 gene and result in an abnormal protein. RNA studies show that this sequence change results in partial skipping of exon 46 (PMID: 15780079), including several amino acid residues known to be critical for COL4A5 protein function (PMID: 7695699, 8218237, 19344236). These collective evidences indicate that this sequence change is pathogenic.

Fulgent Genetics
Classification: Pathogenic for X-linked Alport syndrome. Last evaluated: 2022-03-10. Review status: criteria provided, single submitter. Criteria: ACMG Guidelines, 2015. Collection method: clinical testing. Allele origin: unknown.

Center of Genomic medicine, Geneva, University Hospital of Geneva
Classification: Pathogenic for X-linked Alport syndrome. Last evaluated: 2016-11-21. Review status: criteria provided, single submitter. Criteria: ACMG Guidelines, 2015. Collection method: clinical testing. Allele origin: germline. Affected: yes.

Literature cited by the submitters: PubMed 15780079 (cited by Labcorp Genetics (formerly Invitae), Labcorp); PubMed 35580552 (cited by Labcorp Genetics (formerly Invitae), Labcorp); PubMed 7695699 (cited by Labcorp Genetics (formerly Invitae), Labcorp); PubMed 8218237 (cited by Labcorp Genetics (formerly Invitae), Labcorp); PubMed 19344236 (cited by Labcorp Genetics (formerly Invitae), Labcorp); PubMed 23720012 (cited by Labcorp Genetics (formerly Invitae), Labcorp); PubMed 27627812 (cited by Labcorp Genetics (formerly Invitae), Labcorp).